The following is an entry in ClinVar:

ClinVar aggregate classification (germline): Uncertain significance. Review status: criteria provided, multiple submitters, no conflicts (2 of 4 stars). 4 submissions from 4 submitters: Uncertain significance (4). Last evaluated 2025-09-24.

Conditions:
Cardiovascular phenotype. Identifiers: MedGen CN230736.

gnomAD v4.1: 7 of 1,582,396 alleles (0.00044%); highest among the groups gnomAD compares: East Asian, 0.0023%; no homozygotes.

Submissions (4):

Ambry Genetics
Classification: Uncertain significance for Cardiovascular phenotype. Last evaluated: 2025-09-24. Review status: criteria provided, single submitter. Criteria: Ambry Variant Classification Scheme 2023. Collection method: clinical testing. Allele origin: germline.

Molecular Diagnostic Laboratory for Inherited Cardiovascular Disease, Montreal Heart Institute
Classification: Uncertain significance for Cardiovascular phenotype. Last evaluated: 2025-04-09. Review status: criteria provided, single submitter. Criteria: ACMG Guidelines, 2015. Collection method: clinical testing. Allele origin: germline. Affected: yes.

Blueprint Genetics
Classification: Uncertain significance. Last evaluated: 2023-12-20. Review status: criteria provided, single submitter. Criteria: ACMG Guidelines, 2015. Collection method: clinical testing. Allele origin: germline.

GeneDx
Classification: Uncertain significance. Last evaluated: 2023-11-06. Review status: criteria provided, single submitter. Criteria: GeneDx Variant Classification Process June 2021. Collection method: clinical testing. Allele origin: germline. Affected: yes.
Comment: Has not been previously published as pathogenic or benign to our knowledge; Not observed at significant frequency in large population cohorts (gnomAD); In silico analysis supports that this missense variant does not alter protein structure/function

NM_020433.5(JPH2):c.1793C>T (p.Ser598Phe)

Gene: JPH2 (junctophilin 2; minus strand). Cytogenetic location: 20q13.12.
Variant type: single nucleotide variant.
Coding change: c.1793C>T on transcript NM_020433.5 (MANE Select); coding-DNA position 1793, C replaced by T.
Protein change: p.Ser598Phe; replaces serine 598 with phenylalanine.
Molecular consequence: missense variant.
Genome position (GRCh38, 1-based): chr20:44,115,882, G>A on the plus strand (C>T on the coding strand, the complement: JPH2 is on the minus strand). VCF-style: chr20-44115882-G-A. GRCh37 (hg19) VCF-style: chr20-42744522-G-A.
Other names: short protein forms S598F.
Identifiers: ClinVar variation 3363733 (VCV003363733.4), dbSNP rs753491973.
Genomic context (GRCh38, chr20:44,115,882, plus strand): 5'-GTCTCGCGTGCAGGCTCGGGGCCTCGGAGCGTGGGGGCCTGCAGCGGGGCGGTGGCCGGG[G>A]ACGAGGGCGCGGACTCGGACCCGGAGACCTCGGGCTCGGGCTGGTCCTCAAAGGGTGGGG-3'
Protein context (NP_065166.2, residues 588-608): EVSGSESAPS[Ser598Phe]PATAPLQAPT